The following is an entry in ClinVar:

NM_006662.3(SRCAP):c.6509G>A (p.Arg2170Gln)

Gene: SRCAP (Snf2 related CREBBP activator protein; plus strand). Cytogenetic location: 16p11.2.
Variant type: single nucleotide variant.
Coding change: c.6509G>A on transcript NM_006662.3 (MANE Select); coding-DNA position 6509, G replaced by A.
Protein change: p.Arg2170Gln; replaces arginine 2170 with glutamine.
Molecular consequence: missense variant.
Genome position (GRCh38, 1-based): chr16:30,733,908, G>A. VCF-style: chr16-30733908-G-A. GRCh37 (hg19) VCF-style: chr16-30745229-G-A.
Other names: short protein forms R2170Q.
Identifiers: ClinVar variation 2975296 (VCV002975296.4), dbSNP rs2053135794, ClinGen allele CA395625057.
Genomic context (GRCh38, chr16:30,733,908, plus strand): 5'-CCTGGATATATTTGGCTGCTTACACACGGCCTTCATCACCCCCTAGGCTTATCAGTGAAC[G>A]GACAGTGGAGGAGAACATCCTAAAAAAGGCAAATCAGAAGAGAATGTTGGGGGACATGGC-3'
Protein context (NP_006653.2, residues 2160-2180): DVHIYRLISE[Arg2170Gln]TVEENILKKA

ClinVar aggregate classification (germline): Uncertain significance. Review status: criteria provided, multiple submitters, no conflicts (2 of 4 stars). 2 submissions from 2 submitters: Uncertain significance (2). Last evaluated 2024-10-14.

Allele frequency attached by ClinVar (database versions not stated): TOPMed below 0.00001; gnomAD exomes 0.00001.
gnomAD v4.1: 10 of 1,614,068 alleles (0.00062%); highest among the groups gnomAD compares: African/African-American, 0.0013%; no homozygotes.

Submissions (2):

Labcorp Genetics (formerly Invitae), Labcorp
Classification: Uncertain significance. Last evaluated: 2024-10-14. Review status: criteria provided, single submitter. Criteria: Invitae Variant Classification Sherloc (09022015). Collection method: clinical testing. Allele origin: germline.
Comment: This sequence change replaces arginine, which is basic and polar, with glutamine, which is neutral and polar, at codon 2170 of the SRCAP protein (p.Arg2170Gln). This variant is not present in population databases (gnomAD no frequency). This variant has not been reported in the literature in individuals affected with SRCAP-related conditions. Invitae Evidence Modeling of protein sequence and biophysical properties (such as structural, functional, and spatial information, amino acid conservation, physicochemical variation, residue mobility, and thermodynamic stability) indicates that this missense variant is not expected to disrupt SRCAP protein function with a negative predictive value of 80%. In summary, the available evidence is currently insufficient to determine the role of this variant in disease. Therefore, it has been classified as a Variant of Uncertain Significance.

Blueprint Genetics
Classification: Uncertain significance. Last evaluated: 2023-04-18. Review status: criteria provided, single submitter. Criteria: ACMG Guidelines, 2015. Collection method: clinical testing. Allele origin: germline.